The following is an entry in ClinVar:

NM_201253.3(CRB1):c.1342C>T (p.Gln448Ter)

Gene: CRB1 (crumbs cell polarity complex component 1; plus strand). Cytogenetic location: 1q31.3.
Variant type: single nucleotide variant.
Coding change: c.1342C>T on transcript NM_201253.3 (MANE Select); coding-DNA position 1342, C replaced by T.
Protein change: p.Gln448Ter; replaces glutamine 448 with a stop codon.
Molecular consequence: nonsense. On other transcripts: non-coding transcript variant (2).
Genome position (GRCh38, 1-based): chr1:197,421,170, C>T. VCF-style: chr1-197421170-C-T. GRCh37 (hg19) VCF-style: chr1-197390300-C-T.
Other names: c.1006C>T, p.Gln336Ter (NM_001193640.2); c.1135C>T, p.Gln379Ter (NM_001257965.2); c.1342C>T, p.Gln448Ter (NM_001257966.2); short protein forms Q448*, Q336*, Q379*.
Identifiers: ClinVar variation 4793243 (VCV004793243.1).

ClinVar aggregate classification (germline): Pathogenic (1 of 4 stars; one submission).

Conditions:
Leber congenital amaurosis 8 (LCA8). Identifiers: Orphanet 65, MedGen C3151202, MONDO:0013453, OMIM 613835.
Retinitis pigmentosa 12 (RP12). Also called: RP WITH OR WITHOUT PPRPE; RP WITH OR WITHOUT PRESERVED PARAARTERIOLE RETINAL PIGMENT EPITHELIUM; RETINITIS PIGMENTOSA WITH OR WITHOUT PARAARTERIOLAR PRESERVATION OF RETINAL PIGMENT EPITHELIUM. Identifiers: Orphanet 791, MedGen C1838647, MONDO:0010818, OMIM 600105.

Submission:

Labcorp Genetics (formerly Invitae), Labcorp
Classification: Pathogenic for Leber congenital amaurosis 8; Retinitis pigmentosa 12. Last evaluated: 2025-07-08. Review status: criteria provided, single submitter. Criteria: Invitae Variant Classification Sherloc (09022015). Collection method: clinical testing. Allele origin: germline.
Comment: This sequence change creates a premature translational stop signal (p.Gln448*) in the CRB1 gene. It is expected to result in an absent or disrupted protein product. Loss-of-function variants in CRB1 are known to be pathogenic (PMID: 10508521, 22065545, 23379534, 25412400, 26957898, 28041643, 29391521). This variant is not present in population databases (gnomAD no frequency). This premature translational stop signal has been observed in individual(s) with Leber congenital amaurosis (PMID: 36369640). For these reasons, this variant has been classified as Pathogenic.

Literature cited by the submitters: PubMed 10508521; PubMed 22065545; PubMed 23379534; PubMed 25412400; PubMed 26957898; PubMed 28041643; PubMed 29391521; PubMed 36369640.